The following is an entry in ClinVar:

ClinVar aggregate classification (germline): Uncertain significance (1 of 4 stars; one submission).

Conditions:
Congenital glucose-galactose malabsorption (GGM). Also called: DIARRHEA 16; MONOSACCHARIDE MALABSORPTION. Identifiers: Orphanet 35710, MedGen C0268186, MONDO:0011731, OMIM 606824.

Allele frequency attached by ClinVar (database versions not stated): TOPMed 0.00001; ExAC 0.00002; gnomAD exomes 0.00002.
gnomAD v4.1: 16 of 1,613,972 alleles (0.00099%); highest among the groups gnomAD compares: South Asian, 0.0033%; no homozygotes.

Submission:

Labcorp Genetics (formerly Invitae), Labcorp
Classification: Uncertain significance for Congenital glucose-galactose malabsorption. Last evaluated: 2021-08-28. Review status: criteria provided, single submitter. Criteria: Invitae Variant Classification Sherloc (09022015). Collection method: clinical testing. Allele origin: germline.
Comment: This sequence change replaces alanine with threonine at codon 535 of the SLC5A1 protein (p.Ala535Thr). The alanine residue is weakly conserved and there is a small physicochemical difference between alanine and threonine. This variant is present in population databases (rs759726503, ExAC 0.006%). This variant has not been reported in the literature in individuals affected with SLC5A1-related conditions. Algorithms developed to predict the effect of missense changes on protein structure and function output the following: SIFT: "Tolerated"; PolyPhen-2: "Benign"; Align-GVGD: "Class C0". The threonine amino acid residue is found in multiple mammalian species, which suggests that this missense change does not adversely affect protein function. In summary, the available evidence is currently insufficient to determine the role of this variant in disease. Therefore, it has been classified as a Variant of Uncertain Significance.

NM_000343.4(SLC5A1):c.1603G>A (p.Ala535Thr)

Gene: SLC5A1 (solute carrier family 5 member 1; plus strand). Cytogenetic location: 22q12.3.
Variant type: single nucleotide variant.
Coding change: c.1603G>A on transcript NM_000343.4 (MANE Select); coding-DNA position 1603, G replaced by A.
Protein change: p.Ala535Thr; replaces alanine 535 with threonine.
Molecular consequence: missense variant.
Genome position (GRCh38, 1-based): chr22:32,102,175, G>A. VCF-style: chr22-32102175-G-A. GRCh37 (hg19) VCF-style: chr22-32498162-G-A.
Other names: c.1222G>A, p.Ala408Thr (NM_001256314.2); short protein forms A408T, A535T.
Identifiers: ClinVar variation 1386891 (VCV001386891.5), dbSNP rs759726503, ClinGen allele CA10198266.
Genomic context (GRCh38, chr22:32,102,175, plus strand): 5'-AGCAACTGTCCCACGATTATCTGTGGGGTGCACTACTTGTACTTTGCCATTATCCTCTTC[G>A]CCATTTCTTTCATCACCATCGTGGTCATCTCCCTCCTCACCAAACCCATTCCGGATGTGC-3'
Protein context (NP_000334.1, residues 525-545): HYLYFAIILF[Ala535Thr]ISFITIVVIS